The following is an entry in ClinVar:

ClinVar aggregate classification (germline): Uncertain significance (1 of 4 stars; one submission).

Submission:

Labcorp Genetics (formerly Invitae), Labcorp
Classification: Uncertain significance. Last evaluated: 2022-08-23. Review status: criteria provided, single submitter. Criteria: Invitae Variant Classification Sherloc (09022015). Collection method: clinical testing. Allele origin: germline.
Comment: In summary, the available evidence is currently insufficient to determine the role of this variant in disease. Therefore, it has been classified as a Variant of Uncertain Significance. Experimental studies and prediction algorithms are not available or were not evaluated, and the functional significance of this variant is currently unknown. ClinVar contains an entry for this variant (Variation ID: 1381728). This variant has not been reported in the literature in individuals affected with POLR3A-related conditions. This variant is not present in population databases (gnomAD no frequency). This variant, c.1736_1738dup, results in the insertion of 1 amino acid(s) of the POLR3A protein (p.Ile579dup), but otherwise preserves the integrity of the reading frame.

NM_007055.4(POLR3A):c.1736_1738dup (p.Ile579dup)

Gene: POLR3A (RNA polymerase III subunit A; minus strand). Cytogenetic location: 10q22.3.
Variant type: Duplication.
Coding change: c.1736_1738dup on transcript NM_007055.4 (MANE Select); coding-DNA positions 1736 to 1738, 3 bases duplicated (TTA; older notation c.1736_1738dupTTA).
Protein change: p.Ile579dup; duplicates isoleucine 579.
Molecular consequence: inframe insertion.
Genome position (GRCh38, 1-based): chr10:78,009,896-78,009,898, TAA duplicated on the plus strand (TTA on the coding strand, the reverse complement: POLR3A is on the minus strand); duplicating any 3 consecutive bases within chr10:78,009,896-78,009,899 gives the same sequence; the c. name uses the placement nearest the transcript's 3' end. VCF-style (leftmost placement, unchanged base first): chr10-78009895-T-TTAA. GRCh37 (hg19) VCF-style: chr10-79769653-T-TTAA.
Identifiers: ClinVar variation 1381728 (VCV001381728.6), dbSNP rs2131949578, ClinGen allele CA2573145780.